The following is an entry in ClinVar:

ClinVar aggregate classification (germline): Uncertain significance. Review status: criteria provided, multiple submitters, no conflicts (2 of 4 stars). 2 submissions from 2 submitters: Uncertain significance (2). Last evaluated 2025-06-23.

Conditions:
Inborn genetic diseases. Identifiers: MedGen C0950123, MeSH D030342.

Submissions (2):

Ambry Genetics
Classification: Uncertain significance for Inborn genetic diseases. Last evaluated: 2025-06-23. Review status: criteria provided, single submitter. Criteria: Ambry Variant Classification Scheme 2023. Collection method: clinical testing. Allele origin: germline.
Comment: The c.1279C>T (p.R427C) alteration is located in exon 7 (coding exon 6) of the SMARCA2 gene. This alteration results from a C to T substitution at nucleotide position 1279, causing the arginine (R) at amino acid position 427 to be replaced by a cysteine (C). This variant was not reported in population-based cohorts in the Genome Aggregation Database (gnomAD). This amino acid position is highly conserved in available vertebrate species. The in silico prediction for this alteration is inconclusive. Based on insufficient or conflicting evidence, the clinical significance of this alteration remains unclear.

CeGaT Center for Human Genetics Tuebingen
Classification: Uncertain significance. Last evaluated: 2020-04-01. Review status: criteria provided, single submitter. Criteria: CeGaT Center For Human Genetics Tuebingen Variant Classification Criteria Version 2. Collection method: clinical testing. Allele origin: germline. Affected: yes. Observed: 2 variant alleles.

NM_003070.5(SMARCA2):c.1279C>T (p.Arg427Cys)

Gene: SMARCA2 (SWI/SNF related BAF chromatin remodeling complex subunit ATPase 2; plus strand). Cytogenetic location: 9p24.3.
Variant type: single nucleotide variant.
Coding change: c.1279C>T on transcript NM_003070.5 (MANE Select); coding-DNA position 1279, C replaced by T.
Protein change: p.Arg427Cys; replaces arginine 427 with cysteine.
Molecular consequence: missense variant.
Genome position (GRCh38, 1-based): chr9:2,056,777, C>T. VCF-style: chr9-2056777-C-T. GRCh37 (hg19) VCF-style: chr9-2056777-C-T.
Other names: c.1279C>T, p.Arg427Cys (NM_001289396.2, NM_001289397.2, NM_139045.4); c.1279C>T (NM_003070.3); short protein forms R427C.
Identifiers: ClinVar variation 916365 (VCV000916365.41), dbSNP rs1820373261, ClinGen allele CA372781763.